The following is an entry in ClinVar:

NM_018136.5(ASPM):c.3960C>T (p.Leu1320=)

Gene: ASPM (assembly factor for spindle microtubules; minus strand). Cytogenetic location: 1q31.3.
Variant type: single nucleotide variant.
Coding change: c.3960C>T on transcript NM_018136.5 (MANE Select); coding-DNA position 3960, C replaced by T.
Protein change: p.Leu1320=; no amino-acid change (leucine 1320 retained).
Molecular consequence: synonymous variant.
Genome position (GRCh38, 1-based): chr1:197,117,894, G>A on the plus strand (C>T on the coding strand, the complement: ASPM is on the minus strand). VCF-style: chr1-197117894-G-A. GRCh37 (hg19) VCF-style: chr1-197087024-G-A.
Other names: c.3960C>T, p.Leu1320= (NM_001206846.2).
Identifiers: ClinVar variation 157816 (VCV000157816.59), dbSNP rs148964635, ClinGen allele CA271035.

ClinVar aggregate classification (germline): Benign/Likely benign. Review status: criteria provided, multiple submitters, no conflicts (2 of 4 stars). 8 submissions from 8 submitters: Benign (2); Likely benign (6). Last evaluated 2025-09-02.

Conditions:
Microcephaly 5, primary, autosomal recessive (MCPH5). Also called: ASPM Primary Microcephaly. Identifiers: Orphanet 2512, MedGen C1837501, MONDO:0012106, OMIM 608716.

Allele frequency attached by ClinVar (database versions not stated): TOPMed 0.00007; gnomAD exomes 0.00011; gnomAD 0.00013; ESP Exome Variant Server 0.00015.
gnomAD v4.1: 186 of 1,613,060 alleles (0.012%); highest among the groups gnomAD compares: Middle Eastern, 0.4%; 2 homozygotes.

Submissions (8):

Labcorp Genetics (formerly Invitae), Labcorp
Classification: Benign. Last evaluated: 2025-09-02. Review status: criteria provided, single submitter. Criteria: Invitae Variant Classification Sherloc (09022015). Collection method: clinical testing. Allele origin: germline.

Blueprint Genetics
Classification: Likely benign. Last evaluated: 2024-11-11. Review status: criteria provided, single submitter. Criteria: ACMG Guidelines, 2015. Collection method: clinical testing. Allele origin: germline.

Genome-Nilou Lab
Classification: Benign for Microcephaly 5, primary, autosomal recessive. Last evaluated: 2023-04-11. Review status: criteria provided, single submitter. Criteria: ACMG Guidelines, 2015. Collection method: clinical testing. Allele origin: germline. Affected: no.

CeGaT Center for Human Genetics Tuebingen
Classification: Likely benign. Last evaluated: 2023-02-01. Review status: criteria provided, single submitter. Criteria: CeGaT Center For Human Genetics Tuebingen Variant Classification Criteria Version 2. Collection method: clinical testing. Allele origin: germline. Affected: yes. Observed: 2 variant alleles.
Comment: ASPM: BP4, BP7

GeneDx
Classification: Likely benign. Last evaluated: 2021-07-01. Review status: criteria provided, single submitter. Criteria: GeneDx Variant Classification Process June 2021. Collection method: clinical testing. Allele origin: germline. Affected: yes.

Genetic Services Laboratory, University of Chicago
Classification: Likely benign. Last evaluated: 2019-04-15. Review status: criteria provided, single submitter. Criteria: ACMG Guidelines, 2015. Collection method: clinical testing. Allele origin: germline. Affected: no.

Athena Diagnostics
Classification: Likely benign. Last evaluated: 2018-01-19. Review status: criteria provided, single submitter. Criteria: Athena Diagnostics Criteria. Collection method: clinical testing. Allele origin: germline.

Breakthrough Genomics
Classification: Likely benign. Review status: criteria provided, single submitter. Criteria: ACMG Guidelines, 2015. Collection method: not provided. Allele origin: germline. Inheritance: Autosomal recessive inheritance. Affected: yes.